The following is an entry in ClinVar:

NM_002878.4(RAD51D):c.781A>G (p.Lys261Glu)

Genes: RAD51L3-RFFL (RAD51L3-RFFL readthrough; minus strand), RAD51D (RAD51 paralog D; minus strand). Cytogenetic location: 17q12.
Variant type: single nucleotide variant.
Coding change: c.781A>G on transcript NM_002878.4 (MANE Select); coding-DNA position 781, A replaced by G.
Protein change: p.Lys261Glu; replaces lysine 261 with glutamic acid.
Molecular consequence: missense variant. On other transcripts: non-coding transcript variant (3).
Genome position (GRCh38, 1-based): chr17:35,101,323, T>C on the plus strand (A>G on the coding strand, the complement: RAD51D is on the minus strand). VCF-style: chr17-35101323-T-C. GRCh37 (hg19) VCF-style: chr17-33428342-T-C.
Other names: c.841A>G, p.Lys281Glu (NM_001142571.2); c.445A>G, p.Lys149Glu (NM_133629.3); short protein forms K149E, K261E, K281E.
Identifiers: ClinVar variation 3942388 (VCV003942388.1).

ClinVar aggregate classification (germline): Uncertain significance (1 of 4 stars; one submission).

Conditions:
Hereditary cancer-predisposing syndrome. Also called: Tumor predisposition; Hereditary neoplastic syndrome; Hereditary Cancer Syndrome; Neoplastic Syndromes, Hereditary. Identifiers: Orphanet 140162, MedGen C0027672, MeSH D009386, MONDO:0015356.

Submission:

Ambry Genetics
Classification: Uncertain significance for Hereditary cancer-predisposing syndrome. Last evaluated: 2025-05-08. Review status: criteria provided, single submitter. Criteria: Ambry Variant Classification Scheme 2023. Collection method: clinical testing. Allele origin: germline.
Comment: The p.K261E variant (also known as c.781A>G), located in coding exon 9 of the RAD51D gene, results from an A to G substitution at nucleotide position 781. The lysine at codon 261 is replaced by glutamic acid, an amino acid with similar properties. This amino acid position is conserved. In addition, this alteration is predicted to be tolerated by in silico analysis. Based on the available evidence, the clinical significance of this variant remains unclear.